The following is an entry in ClinVar:

ClinVar aggregate classification (germline): Uncertain significance (1 of 4 stars; one submission).

Conditions:
ERBIN-related disorder. Also called: ERBIN-related condition.

Submission:

PreventionGenetics, part of Exact Sciences
Classification: Uncertain significance for ERBIN-related condition. Last evaluated: 2026-06-15. Review status: criteria provided, single submitter. Criteria: ACMG Guidelines, 2015. Collection method: clinical testing. Allele origin: germline.
Comment: The ERBIN c.781_783delTCA variant is predicted to result in an in-frame deletion (p.Ser262del). To our knowledge, this variant has not been reported in the literature or in a large population database (gnomAD), indicating this variant is rare. At this time, the clinical significance of this variant is uncertain due to the absence of conclusive functional and genetic evidence.

NM_001253697.2(ERBIN):c.781_783del (p.Ser262del)

Gene: ERBIN (erbb2 interacting protein; plus strand). Cytogenetic location: 5q12.3.
Variant type: Deletion.
Coding change: c.781_783del on transcript NM_001253697.2 (MANE Select); coding-DNA positions 781 to 783, 3 bases deleted (TCA; older notation c.781_783delTCA).
Protein change: p.Ser262del; deletes serine 262.
Molecular consequence: inframe deletion.
Genome position (GRCh38, 1-based): chr5:66,024,414-66,024,416, TCA deleted; deleting any 3 consecutive bases within chr5:66,024,413-66,024,416 gives the same sequence; the c. name uses the placement nearest the transcript's 3' end. VCF-style (leftmost placement, unchanged base first): chr5-66024412-TATC-T. GRCh37 (hg19) VCF-style: chr5-65320240-TATC-T.
Other names: c.781_783del, p.Ser262del (NM_001006600.3, NM_001253698.2, NM_001253699.2 and 2 more transcripts); short protein forms S262del.
Identifiers: ClinVar variation 4991307 (VCV004991307.1).